The following is an entry in ClinVar:

ClinVar aggregate classification (germline): Uncertain significance (1 of 4 stars; one submission).

gnomAD v4.1: 3 of 1,614,144 alleles (0.00019%); highest among the groups gnomAD compares: East Asian, 0.0067%; no homozygotes.

Submission:

Women's Health and Genetics/Laboratory Corporation of America, LabCorp
Classification: Uncertain significance. Last evaluated: 2026-04-01. Review status: criteria provided, single submitter. Criteria: LabCorp Variant Classification Summary - May 2015. Collection method: clinical testing. Allele origin: germline.
Comment: Variant summary: MPI c.455G>T (p.Arg152Leu) results in a non-conservative amino acid change in the encoded protein sequence. Algorithms developed to predict the effect of missense changes on protein structure and function all suggest that this variant is likely to be disruptive. The variant allele was found at a frequency of 8e-06 in 251468 control chromosomes. The available data on variant occurrences in the general population are insufficient to allow any conclusion about variant significance. c.455G>T has been observed in individual(s) affected with Congenital Disorder Of Glycosylation Type 1B (Lu_2023). These data do not allow any conclusion about variant significance. To our knowledge, no experimental evidence demonstrating an impact on protein function has been reported. The following publication have been ascertained in the context of this evaluation (PMID: 37124179). No submitters have cited clinical-significance assessments for this variant to ClinVar. Based on the evidence outlined above, the variant was classified as uncertain significance.

Literature cited by the submitters: PubMed 37124179.

NM_002435.3(MPI):c.455G>T (p.Arg152Leu)

Gene: MPI (mannose phosphate isomerase; plus strand). Cytogenetic location: 15q24.1.
Variant type: single nucleotide variant.
Coding change: c.455G>T on transcript NM_002435.3 (MANE Select); coding-DNA position 455, G replaced by T.
Protein change: p.Arg152Leu; replaces arginine 152 with leucine.
Molecular consequence: missense variant.
Genome position (GRCh38, 1-based): chr15:74,892,770, G>T. VCF-style: chr15-74892770-G-T. GRCh37 (hg19) VCF-style: chr15-75185111-G-T.
Other names: c.455G>T, p.Arg152Leu (NM_001289155.2, NM_001289157.2); c.305G>T, p.Arg102Leu (NM_001289156.2); c.395G>T, p.Arg132Leu (NM_001330372.2); short protein forms R102L, R132L, R152L.
Identifiers: ClinVar variation 4848977 (VCV004848977.1).
Genomic context (GRCh38, chr15:74,892,770, plus strand): 5'-CCAACCACAAGCCAGAGATGGCCATTGCCCTCACCCCCTTCCAGGGCTTGTGTGGCTTCC[G>T]GCCAGTTGAGGAGATTGTAACCTTTCTAAAGAGTAAGTTGGGCAGAATGCTGAAGGCATG-3'
Protein context (NP_002426.1, residues 142-162): LTPFQGLCGF[Arg152Leu]PVEEIVTFLK